The following is an entry in ClinVar:

ClinVar aggregate classification (germline): Likely benign. Review status: criteria provided, multiple submitters, no conflicts (2 of 4 stars). 3 submissions from 3 submitters: Likely benign (2). 1 of the submissions does not count toward it. Last evaluated 2024-09-29.

Conditions:
SORL1-related disorder. Also called: SORL1-related condition.

Allele frequency attached by ClinVar (database versions not stated): gnomAD 0.00019; gnomAD exomes 0.00023; ExAC 0.00030; ESP Exome Variant Server 0.00031; TOPMed 0.00050.
gnomAD v4.1: 590 of 1,614,044 alleles (0.037%); highest among the groups gnomAD compares: Non-Finnish European, 0.048%; no homozygotes.

Submissions (3):

Labcorp Genetics (formerly Invitae), Labcorp
Classification: Likely benign. Last evaluated: 2024-09-29. Review status: criteria provided, single submitter. Criteria: Invitae Variant Classification Sherloc (09022015). Collection method: clinical testing. Allele origin: germline.

Blueprint Genetics
Classification: Likely benign. Last evaluated: 2024-02-09. Review status: criteria provided, single submitter. Criteria: ACMG Guidelines, 2015. Collection method: clinical testing. Allele origin: germline.

PreventionGenetics, part of Exact Sciences
Classification: Likely benign for SORL1-related condition. Last evaluated: 2019-07-16. Review status: no assertion criteria provided. Collection method: clinical testing. Allele origin: germline. Not counted in ClinVar's aggregate classification.
Comment: This variant is classified as likely benign based on ACMG/AMP sequence variant interpretation guidelines (Richards et al. 2015 PMID: 25741868, with internal and published modifications).

NM_003105.6(SORL1):c.4347C>T (p.Asp1449=)

Gene: SORL1 (sortilin related receptor 1; plus strand). Cytogenetic location: 11q24.1.
Variant type: single nucleotide variant.
Coding change: c.4347C>T on transcript NM_003105.6 (MANE Select); coding-DNA position 4347, C replaced by T.
Protein change: p.Asp1449=; no amino-acid change (aspartic acid 1449 retained).
Molecular consequence: synonymous variant.
Genome position (GRCh38, 1-based): chr11:121,591,134, C>T. VCF-style: chr11-121591134-C-T. GRCh37 (hg19) VCF-style: chr11-121461843-C-T.
Identifiers: ClinVar variation 716673 (VCV000716673.11), dbSNP rs372549539, ClinGen allele CA6329595.